The following is an entry in ClinVar:

ClinVar aggregate classification (germline): Uncertain significance (1 of 4 stars; one submission).

Conditions:
CHD4-related disorder. Also called: CHD4-related condition.

gnomAD v4.1: 29 of 1,613,664 alleles (0.0018%); highest among the groups gnomAD compares: Non-Finnish European, 0.0024%; no homozygotes.

Submission:

PreventionGenetics, part of Exact Sciences
Classification: Uncertain significance for CHD4-related condition. Last evaluated: 2025-09-16. Review status: criteria provided, single submitter. Criteria: ACMG Guidelines, 2015. Collection method: clinical testing. Allele origin: germline.
Comment: The CHD4 c.1532G>T variant is predicted to result in the amino acid substitution p.Gly511Val. To our knowledge, this variant has not been reported in the literature. This variant is reported in 0.0035% of alleles in individuals of European (Non-Finnish) descent in gnomAD. At this time, the clinical significance of this variant is uncertain due to the absence of conclusive functional and genetic evidence.

NM_001273.5(CHD4):c.1532G>T (p.Gly511Val)

Gene: CHD4 (chromodomain helicase DNA binding protein 4; minus strand). Cytogenetic location: 12p13.31.
Variant type: single nucleotide variant.
Coding change: c.1532G>T on transcript NM_001273.5 (MANE Select); coding-DNA position 1532, G replaced by T.
Protein change: p.Gly511Val; replaces glycine 511 with valine.
Molecular consequence: missense variant.
Genome position (GRCh38, 1-based): chr12:6,598,376, C>A on the plus strand (G>T on the coding strand, the complement: CHD4 is on the minus strand). VCF-style: chr12-6598376-C-A. GRCh37 (hg19) VCF-style: chr12-6707542-C-A.
Other names: c.1511G>T, p.Gly504Val (NM_001297553.2); c.1493G>T, p.Gly498Val (NM_001363606.2); short protein forms G498V, G504V, G511V.
Identifiers: ClinVar variation 4990188 (VCV004990188.1).